The following is an entry in ClinVar:

ClinVar aggregate classification (germline): Pathogenic (1 of 4 stars; one submission).

Conditions:
Glycogen storage disease IV, classic hepatic. Also called: GSD IV, CLASSIC HEPATIC. Identifiers: MedGen C1856301.
Glycogen storage disease, type IV (GSD4). Also called: Glycogen storage disease due to glycogen branching enzyme deficiency; AMYLOPECTINOSIS; ANDERSEN DISEASE; BRANCHER DEFICIENCY; CIRRHOSIS, FAMILIAL, WITH DEPOSITION OF ABNORMAL GLYCOGEN; GBE1 DEFICIENCY. Identifiers: Orphanet 367, MedGen C0017923, MONDO:0009292, OMIM 232500.

Allele frequency attached by ClinVar (database versions not stated): gnomAD exomes below 0.00001.

Submission:

Labcorp Genetics (formerly Invitae), Labcorp
Classification: Pathogenic for Glycogen storage disease, type IV; Glycogen storage disease IV, classic hepatic. Last evaluated: 2024-10-28. Review status: criteria provided, single submitter. Criteria: Invitae Variant Classification Sherloc (09022015). Collection method: clinical testing. Allele origin: germline.
Comment: This sequence change creates a premature translational stop signal (p.Ala654Glyfs*14) in the GBE1 gene. It is expected to result in an absent or disrupted protein product. Loss-of-function variants in GBE1 are known to be pathogenic (PMID: 15452297, 20058079). This variant is not present in population databases (gnomAD no frequency). This premature translational stop signal has been observed in individual(s) with glycogen storage disease (PMID: 24248152). ClinVar contains an entry for this variant (Variation ID: 1457849). Algorithms developed to predict the effect of sequence changes on RNA splicing suggest that this variant may disrupt the consensus splice site. For these reasons, this variant has been classified as Pathogenic.

Literature cited by the submitters: PubMed 15452297; PubMed 20058079; PubMed 24248152.

NM_000158.4(GBE1):c.1961_1962del (p.Ala654fs)

Gene: GBE1 (1,4-alpha-glucan branching enzyme 1; minus strand). Cytogenetic location: 3p12.2.
Variant type: Deletion.
Coding change: c.1961_1962del on transcript NM_000158.4 (MANE Select); coding-DNA positions 1961 to 1962, 2 bases deleted (CA; older notation c.1961_1962delCA).
Protein change: p.Ala654fs; shifts the reading frame from alanine 654.
Molecular consequence: frameshift variant.
Genome position (GRCh38, 1-based): chr3:81,499,200-81,499,201, TG deleted on the plus strand (CA on the coding strand, the reverse complement: GBE1 is on the minus strand). VCF-style (leftmost placement, unchanged base first): chr3-81499199-CTG-C. GRCh37 (hg19) VCF-style: chr3-81548350-CTG-C.
Other names: short protein forms A654fs.
Identifiers: ClinVar variation 1457849 (VCV001457849.8), dbSNP rs2106809957, ClinGen allele CA2573137436.